The following is an entry in ClinVar:

ClinVar aggregate classification (germline): Conflicting classifications of pathogenicity. Review status: criteria provided, conflicting classifications (1 of 4 stars). 5 submissions from 5 submitters: Uncertain significance (1); Benign (2); Likely benign (2). Last evaluated 2026-01-26.

Conditions:
Emery-Dreifuss muscular dystrophy 5, autosomal dominant (EDMD5). Also called: EMERY-DREIFUSS MUSCULAR DYSTROPHY 5. Identifiers: Orphanet 261, MedGen C2751805, MONDO:0013072, OMIM 612999.

Allele frequency attached by ClinVar (database versions not stated): gnomAD exomes 0.00027 and 0.00066; ExAC 0.00082; ESP Exome Variant Server 0.00264; 1000 Genomes Project 0.00300; gnomAD 0.00323 and 0.00349; TOPMed 0.00348; 1000 Genomes Project 30x 0.00406.
gnomAD v4.1: 891 of 1,613,046 alleles (0.055%); highest among the groups gnomAD compares: African/African-American, 1.1%; 3 homozygotes.

Submissions (5):

Labcorp Genetics (formerly Invitae), Labcorp
Classification: Benign for Emery-Dreifuss muscular dystrophy 5, autosomal dominant. Last evaluated: 2026-01-26. Review status: criteria provided, single submitter. Criteria: Invitae Variant Classification Sherloc (09022015). Collection method: clinical testing. Allele origin: germline.

CeGaT Center for Human Genetics Tuebingen
Classification: Likely benign. Last evaluated: 2025-11-01. Review status: criteria provided, single submitter. Criteria: CeGaT Center For Human Genetics Tuebingen Variant Classification Criteria Version 2. Collection method: clinical testing. Allele origin: germline. Affected: yes. Observed: 1 variant allele.
Comment: SYNE2: BP4, BS1

Ambry Genetics
Classification: Uncertain significance. Last evaluated: 2025-08-02. Review status: criteria provided, single submitter. Criteria: Ambry Variant Classification Scheme 2023. Collection method: clinical testing. Allele origin: germline.

Blueprint Genetics
Classification: Likely benign. Last evaluated: 2024-07-30. Review status: criteria provided, single submitter. Criteria: ACMG Guidelines, 2015. Collection method: clinical testing. Allele origin: germline.

Illumina Laboratory Services, Illumina
Classification: Benign for Emery-Dreifuss muscular dystrophy 5, autosomal dominant. Last evaluated: 2018-01-12. Review status: criteria provided, single submitter. Criteria: ICSL Variant Classification Criteria 13 December 2019. Collection method: clinical testing. Allele origin: germline.
Comment: This variant was observed in the ICSL laboratory as part of a predisposition screen in an ostensibly healthy population. It had not been previously curated by ICSL or reported in the Human Gene Mutation Database (HGMD: prior to June 1st, 2018), and was therefore a candidate for classification through an automated scoring system. Utilizing variant allele frequency, disease prevalence and penetrance estimates, and inheritance mode, an automated score was calculated to assess if this variant is too frequent to cause the disease. Based on the score and internal cut-off values, a variant classified as benign is not then subjected to further curation. The score for this variant resulted in a classification of benign for this disease.

NM_182914.3(SYNE2):c.9502A>G (p.Ile3168Val)

Gene: SYNE2 (spectrin repeat containing nuclear envelope protein 2; plus strand). Cytogenetic location: 14q23.2.
Variant type: single nucleotide variant.
Coding change: c.9502A>G on transcript NM_182914.3 (MANE Select); coding-DNA position 9502, A replaced by G.
Protein change: p.Ile3168Val; replaces isoleucine 3168 with valine.
Molecular consequence: missense variant.
Genome position (GRCh38, 1-based): chr14:64,053,415, A>G. VCF-style: chr14-64053415-A-G. GRCh37 (hg19) VCF-style: chr14-64520133-A-G.
Other names: c.9502A>G, p.Ile3168Val (NM_015180.6); short protein forms I3168V.
Identifiers: ClinVar variation 313547 (VCV000313547.25), dbSNP rs193035848, ClinGen allele CA7221275.
Genomic context (GRCh38, chr14:64,053,415, plus strand): 5'-GAATTGGATGAAAAGAATTGTCAGGACAAACTAGAAACTTCCTTACATGTTTTAAATCAG[A>G]TAAAATCTCAATTACAGCAGCCATTACTTATAAATTTGGAAATTAAACATATTCAAAATG-3'
Protein context (NP_878918.2, residues 3158-3178): LETSLHVLNQ[Ile3168Val]KSQLQQPLLI